The following is an entry in ClinVar:

NM_013246.3(CLCF1):c.322G>C (p.Glu108Gln)

Genes: CLCF1 (cardiotrophin like cytokine factor 1; minus strand), LOC100130987 (uncharacterized LOC100130987; plus strand). Cytogenetic location: 11q13.2.
Variant type: single nucleotide variant.
Coding change: c.322G>C on transcript NM_013246.3 (MANE Select); coding-DNA position 322, G replaced by C.
Protein change: p.Glu108Gln; replaces glutamic acid 108 with glutamine.
Molecular consequence: missense variant.
Genome position (GRCh38, 1-based): chr11:67,365,492, C>G on the plus strand (G>C on the coding strand, the complement: CLCF1 is on the minus strand). VCF-style: chr11-67365492-C-G. GRCh37 (hg19) VCF-style: chr11-67132963-C-G.
Other names: c.292G>C, p.Glu98Gln (NM_001166212.2); short protein forms E108Q, E98Q.
Identifiers: ClinVar variation 4848168 (VCV004848168.1).

ClinVar aggregate classification (germline): Uncertain significance (1 of 4 stars; one submission).

Submission:

Women's Health and Genetics/Laboratory Corporation of America, LabCorp
Classification: Uncertain significance. Last evaluated: 2026-02-23. Review status: criteria provided, single submitter. Criteria: LabCorp Variant Classification Summary - May 2015. Collection method: clinical testing. Allele origin: germline.
Comment: Variant summary: CLCF1 c.322G>C (p.Glu108Gln) results in a conservative amino acid change in the encoded protein sequence. Algorithms developed to predict the effect of missense changes on protein structure and function all suggest that this variant is likely to be tolerated. The variant was absent in 251084 control chromosomes. The available data on variant occurrences in the general population are insufficient to allow any conclusion about variant significance. To our knowledge, no occurrence of c.322G>C in individuals affected with CLCF1-related conditions and no experimental evidence demonstrating its impact on protein function have been reported. No submitters have cited clinical-significance assessments for this variant to ClinVar. Based on the evidence outlined above, the variant was classified as uncertain significance.